The following is an entry in ClinVar:

NM_004415.4(DSP):c.14G>C (p.Gly5Ala)

Genes: DSP-AS1 (DSP antisense RNA 1; minus strand), DSP (desmoplakin; plus strand). Cytogenetic location: 6p24.3.
Variant type: single nucleotide variant.
Coding change: c.14G>C on transcript NM_004415.4 (MANE Select); coding-DNA position 14, G replaced by C.
Protein change: p.Gly5Ala; replaces glycine 5 with alanine.
Molecular consequence: missense variant.
Genome position (GRCh38, 1-based): chr6:7,541,929, G>C. VCF-style: chr6-7541929-G-C. GRCh37 (hg19) VCF-style: chr6-7542162-G-C.
Other names: c.14G>C, p.Gly5Ala (NM_001008844.3, NM_001319034.2); short protein forms G5A.
Identifiers: ClinVar variation 1005999 (VCV001005999.13), dbSNP rs1757989474, ClinGen allele CA362675438.

ClinVar aggregate classification (germline): Uncertain significance (1 of 4 stars; one submission).

Conditions:
Arrhythmogenic cardiomyopathy with wooly hair and keratoderma. Also called: Dilated cardiomyopathy with woolly hair and keratoderma; Carvajal syndrome; Arrhythmogenic cardiomyopathy with woolly hair and keratoderma; PALMOPLANTAR KERATODERMA WITH LEFT VENTRICULAR CARDIOMYOPATHY AND WOOLLY HAIR. Identifiers: Orphanet 65282, MedGen C1854063, MONDO:0011581, OMIM 605676.
Arrhythmogenic right ventricular dysplasia 8 (ARVD8). Also called: Arrhythmogenic Right Ventricular Dysplasia/Cardiomyopathy 8; ARRHYTHMOGENIC RIGHT VENTRICULAR DYSPLASIA, FAMILIAL, 8; ARRHYTHMOGENIC RIGHT VENTRICULAR CARDIOMYOPATHY 8. Identifiers: MedGen C1843896, MONDO:0011831, OMIM 607450.

Allele frequency attached by ClinVar (database versions not stated): gnomAD exomes below 0.00001.
gnomAD v4.1: 2 of 1,609,232 alleles (0.00012%); highest among the groups gnomAD compares: Admixed American, 0.0033%; no homozygotes.

Submission:

Labcorp Genetics (formerly Invitae), Labcorp
Classification: Uncertain significance for Arrhythmogenic cardiomyopathy with wooly hair and keratoderma; Arrhythmogenic right ventricular dysplasia 8. Last evaluated: 2023-10-22. Review status: criteria provided, single submitter. Criteria: Invitae Variant Classification Sherloc (09022015). Collection method: clinical testing. Allele origin: germline.
Comment: This sequence change replaces glycine, which is neutral and non-polar, with alanine, which is neutral and non-polar, at codon 5 of the DSP protein (p.Gly5Ala). This variant is not present in population databases (gnomAD no frequency). This variant has not been reported in the literature in individuals affected with DSP-related conditions. ClinVar contains an entry for this variant (Variation ID: 1005999). An algorithm developed to predict the effect of missense changes on protein structure and function (PolyPhen-2) suggests that this variant is likely to be tolerated. In summary, the available evidence is currently insufficient to determine the role of this variant in disease. Therefore, it has been classified as a Variant of Uncertain Significance.